The following is an entry in ClinVar:

NM_002582.4(PARN):c.751A>G (p.Arg251Gly)

Gene: PARN (poly(A)-specific ribonuclease; minus strand). Cytogenetic location: 16p13.12.
Variant type: single nucleotide variant.
Coding change: c.751A>G on transcript NM_002582.4 (MANE Select); coding-DNA position 751, A replaced by G.
Protein change: p.Arg251Gly; replaces arginine 251 with glycine.
Molecular consequence: missense variant.
Genome position (GRCh38, 1-based): chr16:14,604,178, T>C on the plus strand (A>G on the coding strand, the complement: PARN is on the minus strand). VCF-style: chr16-14604178-T-C. GRCh37 (hg19) VCF-style: chr16-14698035-T-C.
Other names: c.568A>G, p.Arg190Gly (NM_001134477.3); c.613A>G, p.Arg205Gly (NM_001242992.2); short protein forms R251G, R190G, R205G.
Identifiers: ClinVar variation 1990649 (VCV001990649.4), dbSNP rs2508226037, ClinGen allele CA394807618.

ClinVar aggregate classification (germline): Uncertain significance (1 of 4 stars; one submission).

Conditions:
Dyskeratosis congenita, autosomal recessive 6 (DKCB6). Identifiers: MedGen C4225356, MONDO:0014600, OMIM 616353.
Pulmonary fibrosis and/or bone marrow failure, Telomere-related, 4. Also called: PULMONARY FIBROSIS AND/OR BONE MARROW FAILURE SYNDROME, TELOMERE-RELATED, 4. Identifiers: Orphanet 2032, MedGen C4225347, MONDO:0014612, OMIM 616371.

Submission:

Labcorp Genetics (formerly Invitae), Labcorp
Classification: Uncertain significance for Dyskeratosis congenita, autosomal recessive 6; Pulmonary fibrosis and/or bone marrow failure, Telomere-related, 4. Last evaluated: 2024-08-12. Review status: criteria provided, single submitter. Criteria: Invitae Variant Classification Sherloc (09022015). Collection method: clinical testing. Allele origin: germline.
Comment: This sequence change replaces arginine, which is basic and polar, with glycine, which is neutral and non-polar, at codon 251 of the PARN protein (p.Arg251Gly). This variant is not present in population databases (gnomAD no frequency). This variant has not been reported in the literature in individuals affected with PARN-related conditions. ClinVar contains an entry for this variant (Variation ID: 1990649). Advanced modeling of protein sequence and biophysical properties (such as structural, functional, and spatial information, amino acid conservation, physicochemical variation, residue mobility, and thermodynamic stability) performed at Invitae indicates that this missense variant is not expected to disrupt PARN protein function with a negative predictive value of 80%. In summary, the available evidence is currently insufficient to determine the role of this variant in disease. Therefore, it has been classified as a Variant of Uncertain Significance.